The following is an entry in ClinVar:

NM_003476.5(CSRP3):c.367T>C (p.Cys123Arg)

Gene: CSRP3 (cysteine and glycine rich protein 3; minus strand). Cytogenetic location: 11p15.1.
Variant type: single nucleotide variant.
Coding change: c.367T>C on transcript NM_003476.5 (MANE Select); coding-DNA position 367, T replaced by C.
Protein change: p.Cys123Arg; replaces cysteine 123 with arginine.
Molecular consequence: missense variant. On other transcripts: synonymous variant (1).
Genome position (GRCh38, 1-based): chr11:19,186,263, A>G on the plus strand (T>C on the coding strand, the complement: CSRP3 is on the minus strand). VCF-style: chr11-19186263-A-G. GRCh37 (hg19) VCF-style: chr11-19207810-A-G.
Other names: c.198T>C, p.Asp66= (NM_001369404.1); short protein forms C123R.
Identifiers: ClinVar variation 578673 (VCV000578673.14), dbSNP rs1301857786, ClinGen allele CA379887926.

ClinVar aggregate classification (germline): Uncertain significance. Review status: criteria provided, multiple submitters, no conflicts (2 of 4 stars). 3 submissions from 3 submitters: Uncertain significance (3). Last evaluated 2026-09-16.

Conditions:
CSRP3-related disorder. Also called: CSRP3-related disorders; CSRP3-related condition.
Cardiovascular phenotype. Identifiers: MedGen CN230736.
Dilated cardiomyopathy 1M (CMD1M). Identifiers: Orphanet 154, MedGen C1843808, MONDO:0011840, OMIM 607482.
Hypertrophic cardiomyopathy 12. Identifiers: MedGen C2677491, MONDO:0012804, OMIM 612124.

Allele frequency attached by ClinVar (database versions not stated): gnomAD exomes below 0.00001; gnomAD 0.00001; TOPMed 0.00001.
gnomAD v4.1: 6 of 1,614,200 alleles (0.00037%); highest among the groups gnomAD compares: African/African-American, 0.0053%; no homozygotes.

Submissions (3):

PreventionGenetics, part of Exact Sciences
Classification: Uncertain significance for CSRP3-related condition. Last evaluated: 2026-09-16. Review status: criteria provided, single submitter. Criteria: ACMG Guidelines, 2015. Collection method: clinical testing. Allele origin: germline.
Comment: The CSRP3 c.367T>C variant is predicted to result in the amino acid substitution p.Cys123Arg. This variant has been reported in the heterozygous state as a variant of uncertain significance in an individual with hypertrophic cardiomyopathy (Online Supplementary File 2, van Lint et al. 2019. PubMed ID: 30847666). This variant has not been reported in a large population database (gnomAD), indicating this variant is rare. At this time, the clinical significance of this variant is uncertain due to the absence of conclusive functional and genetic evidence.

Ambry Genetics
Classification: Uncertain significance for Cardiovascular phenotype. Last evaluated: 2025-12-10. Review status: criteria provided, single submitter. Criteria: Ambry Variant Classification Scheme 2023. Collection method: clinical testing. Allele origin: germline.
Comment: The p.C123R variant (also known as c.367T>C), located in coding exon 3 of the CSRP3 gene, results from a T to C substitution at nucleotide position 367. The cysteine at codon 123 is replaced by arginine, an amino acid with highly dissimilar properties. This amino acid position is highly conserved in available vertebrate species. In addition, this alteration is predicted to be deleterious by in silico analysis. Since supporting evidence is limited at this time, the clinical significance of this alteration remains unclear.

Labcorp Genetics (formerly Invitae), Labcorp
Classification: Uncertain significance for Hypertrophic cardiomyopathy 12; Dilated cardiomyopathy 1M. Last evaluated: 2025-11-22. Review status: criteria provided, single submitter. Criteria: Invitae Variant Classification Sherloc (09022015). Collection method: clinical testing. Allele origin: germline.
Comment: This sequence change replaces cysteine, which is neutral and slightly polar, with arginine, which is basic and polar, at codon 123 of the CSRP3 protein (p.Cys123Arg). This variant is not present in population databases (gnomAD no frequency). This variant has not been reported in the literature in individuals affected with CSRP3-related conditions. ClinVar contains an entry for this variant (Variation ID: 578673). An algorithm developed to predict the effect of missense changes on protein structure and function (PolyPhen-2) suggests that this variant is likely to be disruptive. In summary, the available evidence is currently insufficient to determine the role of this variant in disease. Therefore, it has been classified as a Variant of Uncertain Significance.